The following is an entry in ClinVar:

NM_000535.7(PMS2):c.2326T>C (p.Trp776Arg)

Gene: PMS2 (PMS1 homolog 2, mismatch repair system component; minus strand). Cytogenetic location: 7p22.1.
Variant type: single nucleotide variant.
Coding change: c.2326T>C on transcript NM_000535.7 (MANE Select); coding-DNA position 2326, T replaced by C.
Protein change: p.Trp776Arg; replaces tryptophan 776 with arginine.
Molecular consequence: missense variant. On other transcripts: non-coding transcript variant (1).
Genome position (GRCh38, 1-based): chr7:5,977,707, A>G on the plus strand (T>C on the coding strand, the complement: PMS2 is on the minus strand). VCF-style: chr7-5977707-A-G. GRCh37 (hg19) VCF-style: chr7-6017338-A-G.
Other names: p.Trp776Arg; c.1921T>C, p.Trp641Arg (NM_001322003.2, NM_001322004.2, NM_001322005.2); c.2170T>C, p.Trp724Arg (NM_001322006.2); c.2008T>C, p.Trp670Arg (NM_001322007.2, NM_001322008.2); c.1954T>C, p.Trp652Arg (NM_001322009.2); c.1765T>C, p.Trp589Arg (NM_001322010.2); c.1393T>C, p.Trp465Arg (NM_001322011.2, NM_001322012.2); c.1753T>C, p.Trp585Arg (NM_001322013.2); and 2 more; short protein forms W465R, W585R, W589R, W641R, W652R, W670R, W673R, W724R.
Identifiers: ClinVar variation 1212913 (VCV001212913.6), dbSNP rs2128674890, ClinGen allele CA366735983.

ClinVar aggregate classification (germline): Uncertain significance. Review status: criteria provided, multiple submitters, no conflicts (2 of 4 stars). 3 submissions from 3 submitters: Uncertain significance (3). Last evaluated 2025-11-23.

Conditions:
Hereditary cancer-predisposing syndrome. Also called: Neoplastic Syndromes, Hereditary; Tumor predisposition; Hereditary neoplastic syndrome; Hereditary Cancer Syndrome. Identifiers: Orphanet 140162, MedGen C0027672, MeSH D009386, MONDO:0015356.

Allele frequency attached by ClinVar (database versions not stated): gnomAD exomes below 0.00001.
gnomAD v4.1: 1 of 1,606,578 alleles (0.000062%); highest among the groups gnomAD compares: South Asian, 0.0011%; no homozygotes.

Submissions (3):

Mayo Clinic Laboratories, Mayo Clinic
Classification: Uncertain significance. Last evaluated: 2025-11-23. Review status: criteria provided, single submitter. Criteria: ACMG Guidelines, 2015. Collection method: clinical testing. Allele origin: germline. Observed: 1 variant allele.

GeneDx
Classification: Uncertain significance. Last evaluated: 2025-07-29. Review status: criteria provided, single submitter. Criteria: GeneDx Variant Classification Process June 2021. Collection method: clinical testing. Allele origin: germline. Affected: yes.
Comment: Not observed at significant frequency in large population cohorts (gnomAD); In silico analysis supports that this missense variant has a deleterious effect on protein structure/function; Has not been previously published as pathogenic or benign to our knowledge; This variant is associated with the following publications: (PMID: Fukui2011[Chapter])

Ambry Genetics
Classification: Uncertain significance for Hereditary cancer-predisposing syndrome. Last evaluated: 2025-03-15. Review status: criteria provided, single submitter. Criteria: Ambry Variant Classification Scheme 2023. Collection method: clinical testing. Allele origin: germline.
Comment: The p.W776R variant (also known as c.2326T>C), located in coding exon 14 of the PMS2 gene, results from a T to C substitution at nucleotide position 2326. The tryptophan at codon 776 is replaced by arginine, an amino acid with dissimilar properties. This amino acid position is conserved. In addition, this alteration is predicted to be deleterious by in silico analysis. Based on the available evidence, the clinical significance of this variant remains unclear.